The following is an entry in ClinVar:

NM_000256.3(MYBPC3):c.1742G>A (p.Gly581Glu)

Gene: MYBPC3 (myosin binding protein C3; minus strand). Cytogenetic location: 11p11.2.
Variant type: single nucleotide variant.
Coding change: c.1742G>A on transcript NM_000256.3 (MANE Select); coding-DNA position 1742, G replaced by A.
Protein change: p.Gly581Glu; replaces glycine 581 with glutamic acid.
Molecular consequence: missense variant.
Genome position (GRCh38, 1-based): chr11:47,342,039, C>T on the plus strand (G>A on the coding strand, the complement: MYBPC3 is on the minus strand). VCF-style: chr11-47342039-C-T. GRCh37 (hg19) VCF-style: chr11-47363590-C-T.
Other names: short protein forms G581E.
Identifiers: ClinVar variation 3722630 (VCV003722630.2).
Genomic context (GRCh38, chr11:47,342,039, plus strand): 5'-CTGCACACTCACCGCCCGATGTGGGACACCTTTATGCGGCTGTCGGGCACCAGCTCCTTC[C>T]CATTCTTCAGCCACACACCCCGAACATTCTCATCTGAGACCTCACATTTGAACACCGCCT-3'
Protein context (NP_000247.2, residues 571-591): ENVRGVWLKN[Gly581Glu]KELVPDSRIK

ClinVar aggregate classification (germline): Uncertain significance (1 of 4 stars; one submission).

Conditions:
Hypertrophic cardiomyopathy. Also called: HYPERTROPHIC MYOCARDIOPATHY. Identifiers: Orphanet 217569, MedGen C0007194, MeSH D002312, MONDO:0005045, HP:0001639.

Submission:

Labcorp Genetics (formerly Invitae), Labcorp
Classification: Uncertain significance for Hypertrophic cardiomyopathy. Last evaluated: 2024-10-10. Review status: criteria provided, single submitter. Criteria: Invitae Variant Classification Sherloc (09022015). Collection method: clinical testing. Allele origin: germline.
Comment: This sequence change replaces glycine, which is neutral and non-polar, with glutamic acid, which is acidic and polar, at codon 581 of the MYBPC3 protein (p.Gly581Glu). This variant is not present in population databases (gnomAD no frequency). This variant has not been reported in the literature in individuals affected with MYBPC3-related conditions. An algorithm developed to predict the effect of missense changes on protein structure and function (PolyPhen-2) suggests that this variant is likely to be disruptive. In summary, the available evidence is currently insufficient to determine the role of this variant in disease. Therefore, it has been classified as a Variant of Uncertain Significance.